The following is an entry in ClinVar:

NM_002830.4(PTPN4):c.2338C>T (p.Gln780Ter)

Gene: PTPN4 (protein tyrosine phosphatase non-receptor type 4; plus strand). Cytogenetic location: 2q14.2.
Variant type: single nucleotide variant.
Coding change: c.2338C>T on transcript NM_002830.4 (MANE Select); coding-DNA position 2338, C replaced by T.
Protein change: p.Gln780Ter; replaces glutamine 780 with a stop codon.
Molecular consequence: nonsense.
Genome position (GRCh38, 1-based): chr2:119,962,673, C>T. VCF-style: chr2-119962673-C-T. GRCh37 (hg19) VCF-style: chr2-120720249-C-T.
Other names: short protein forms Q780*.
Identifiers: ClinVar variation 1699459 (VCV001699459.4), dbSNP rs2105059931, ClinGen allele CA348149270.

ClinVar aggregate classification (germline): Pathogenic (1 of 4 stars; one submission).

Conditions:
Neurodevelopmental disorder. Identifiers: MedGen C1535926, MeSH D065886, MONDO:0700092.

Submission:

Victorian Clinical Genetics Services, Murdoch Childrens Research Institute
Classification: Pathogenic for Neurodevelopmental disorder. Last evaluated: 2023-07-16. Review status: criteria provided, single submitter. Criteria: ACMG Guidelines, 2015. Collection method: clinical testing. Allele origin: germline. Inheritance: Autosomal dominant inheritance. Affected: yes.
Comment: Based on the classification scheme VCGS_Germline_v1.3.4, this variant is classified as Pathogenic. Following criteria are met: 0102 - Loss of function is a known mechanism of disease in this gene and is associated with neurodevelopmental disorder, PTPN4-related (MONDO#0700092). (I) 0107 - This gene is associated with autosomal dominant disease. (I) 0201 - Variant is predicted to cause nonsense-mediated decay (NMD) and loss of protein (premature termination codon is located at least 54 nucleotides upstream of the final exon-exon junction). (SP) 0251 - This variant is heterozygous. (I) 0301 - Variant is absent from gnomAD (both v2 and v3). (SP) 0703 - Other NMD-predicted variants comparable to the one identified in this case have moderate previous evidence for pathogenicity. p.(Gln132Thrfs*17) and p.(Arg838*) have been observed in individuals with syndromic developmental delay (PMID: 34527963). (SP) 0807 - This variant has no previous evidence of pathogenicity. (I) 0905 - No published segregation evidence has been identified for this variant. (I) 1007 - No published functional evidence has been identified for this variant. Legend: (SP) - Supporting pathogenic, (I) - Information, (SB) - Supporting benign

Literature cited by the submitters: PubMed 34527963.